The following is an entry in ClinVar:

NM_000170.3(GLDC):c.990T>C (p.His330=)

Gene: GLDC (glycine decarboxylase; minus strand). Cytogenetic location: 9p24.1.
Variant type: single nucleotide variant.
Coding change: c.990T>C on transcript NM_000170.3 (MANE Select); coding-DNA position 990, T replaced by C.
Protein change: p.His330=; no amino-acid change (histidine 330 retained).
Molecular consequence: synonymous variant.
Genome position (GRCh38, 1-based): chr9:6,604,656, A>G on the plus strand (T>C on the coding strand, the complement: GLDC is on the minus strand). VCF-style: chr9-6604656-A-G. GRCh37 (hg19) VCF-style: chr9-6604656-A-G.
Other names: c.990T>C (NM_000170.2).
Identifiers: ClinVar variation 1584798 (VCV001584798.9), dbSNP rs1329493716, ClinGen allele CA463601157.
Genomic context (GRCh38, chr9:6,604,656, plus strand): 5'-CCCCACCATTCTTCCAGGCATCATTCTCACCAAGCTTTCTCGGACAGCAAAAAATGCTGC[A>G]TGGGGTCCCCCATAGCCCAGTGGCACTCCAAATCTCTGGGAGCTGCCCAGGGCGATGTCT-3'
Protein context (NP_000161.2, residues 320-340): FGVPLGYGGP[His330=]AAFFAVRESL

ClinVar aggregate classification (germline): Likely benign. Review status: criteria provided, single submitter (1 of 4 stars). 2 submissions from 2 submitters: Likely benign (1). 1 of the submissions does not count toward it. Last evaluated 2026-01-24.

Conditions:
Glycine encephalopathy. Also called: Nonketotic hyperglycinemia; Non-ketotic hyperglycinemia. Identifiers: Orphanet 407, MedGen C0751748, MONDO:0011612, HP:0008288.
GLDC-related disorder. Also called: GLDC-related condition.

Allele frequency attached by ClinVar (database versions not stated): TOPMed below 0.00001; gnomAD exomes 0.00001.
gnomAD v4.1: 20 of 1,614,064 alleles (0.0012%); highest among the groups gnomAD compares: East Asian, 0.0022%; no homozygotes.

Submissions (2):

Labcorp Genetics (formerly Invitae), Labcorp
Classification: Likely benign for Glycine encephalopathy. Last evaluated: 2026-01-24. Review status: criteria provided, single submitter. Criteria: Invitae Variant Classification Sherloc (09022015). Collection method: clinical testing. Allele origin: germline.

PreventionGenetics, part of Exact Sciences
Classification: Likely benign for GLDC-related condition. Last evaluated: 2024-09-04. Review status: no assertion criteria provided. Collection method: clinical testing. Allele origin: germline. Not counted in ClinVar's aggregate classification.
Comment: This variant is classified as likely benign based on ACMG/AMP sequence variant interpretation guidelines (Richards et al. 2015 PMID: 25741868, with internal and published modifications).